The following is an entry in ClinVar:

NM_004706.4(ARHGEF1):c.2249+6G>C

Gene: ARHGEF1 (Rho guanine nucleotide exchange factor 1; plus strand). Cytogenetic location: 19q13.2.
Variant type: single nucleotide variant.
Coding change: c.2249+6G>C on transcript NM_004706.4 (MANE Select); 6 bases into the intron after coding-DNA position 2249, G replaced by C.
Molecular consequence: intron variant.
Genome position (GRCh38, 1-based): chr19:41,905,042, G>C. VCF-style: chr19-41905042-G-C. GRCh37 (hg19) VCF-style: chr19-42409194-G-C.
Other names: c.2249+6G>C (NM_001396003.1, NM_001396006.1); c.2150+6G>C (NM_001396002.1, NM_198977.2, NM_001396004.1); c.2417+6G>C (NM_001396000.1); c.2294+6G>C (NM_199002.2).
Identifiers: ClinVar variation 4700672 (VCV004700672.1).
Genomic context (GRCh38, chr19:41,905,042, plus strand): 5'-ACCAGGAGGCCCAGATATACGAGCTGGTGGCACAGACTGTGTCGGAGCGGAAAAAGTGAG[G>C]GGGGGTCTGAGTTCTGAGTGTGGGTGGAGGACGCCCAGGTTTCTGGGTTCCCAGGGACAG-3'

ClinVar aggregate classification (germline): Uncertain significance (1 of 4 stars; one submission).

gnomAD v4.1: 1 of 1,613,966 alleles (0.000062%); highest among the groups gnomAD compares: African/African-American, 0.0013%; no homozygotes.

Submission:

Labcorp Genetics (formerly Invitae), Labcorp
Classification: Uncertain significance. Last evaluated: 2025-11-16. Review status: criteria provided, single submitter. Criteria: Invitae Variant Classification Sherloc (09022015). Collection method: clinical testing. Allele origin: germline.
Comment: This sequence change falls in intron 23 of the ARHGEF1 gene. It does not directly change the encoded amino acid sequence of the ARHGEF1 protein. It affects a nucleotide within the consensus splice site. This variant is present in population databases (no rsID available, gnomAD 0.003%). This variant has not been reported in the literature in individuals affected with ARHGEF1-related conditions. Variants that disrupt the consensus splice site are a relatively common cause of aberrant splicing (PMID: 17576681, 9536098). Algorithms developed to predict the effect of sequence changes on RNA splicing suggest that this variant is not likely to affect RNA splicing. In summary, the available evidence is currently insufficient to determine the role of this variant in disease. Therefore, it has been classified as a Variant of Uncertain Significance.

Literature cited by the submitters: PubMed 17576681; PubMed 9536098.